The following is an entry in ClinVar:

ClinVar aggregate classification (germline): Likely benign. Review status: criteria provided, multiple submitters, no conflicts (2 of 4 stars). 3 submissions from 3 submitters: Likely benign (3). Last evaluated 2025-05-30.

Conditions:
Catecholaminergic polymorphic ventricular tachycardia 1. Also called: RYR2-Related Catecholaminergic Polymorphic Ventricular Tachycardia; VENTRICULAR TACHYCARDIA, CATECHOLAMINERGIC POLYMORPHIC, 1, WITH OR WITHOUT ATRIAL DYSFUNCTION AND/OR DILATED CARDIOMYOPATHY; VENTRICULAR TACHYCARDIA, STRESS-INDUCED POLYMORPHIC 1. Identifiers: Orphanet 3286, MedGen C1631597, MONDO:0011484, OMIM 604772.
Cardiomyopathy (CMYO). Also called: Cardiomyopathies. Identifiers: Orphanet 167848, MedGen C0878544, MONDO:0004994, HP:0001638. Inheritance: Various modes of inheritance.

Allele frequency attached by ClinVar (database versions not stated): gnomAD exomes below 0.00001.
gnomAD v4.1: 1 of 1,572,806 alleles (0.000064%); highest among the groups gnomAD compares: Non-Finnish European, 0.000087%; no homozygotes.

Submissions (3):

Color Diagnostics, LLC DBA Color Health
Classification: Likely benign for Cardiomyopathy. Last evaluated: 2025-05-30. Review status: criteria provided, single submitter. Criteria: ACMG Guidelines, 2015. Collection method: clinical testing. Allele origin: germline.

Labcorp Genetics (formerly Invitae), Labcorp
Classification: Likely benign for Catecholaminergic polymorphic ventricular tachycardia 1. Last evaluated: 2024-12-26. Review status: criteria provided, single submitter. Criteria: Invitae Variant Classification Sherloc (09022015). Collection method: clinical testing. Allele origin: germline.

GeneDx
Classification: Likely benign. Last evaluated: 2016-10-03. Review status: criteria provided, single submitter. Criteria: GeneDx Variant Classification (06012015). Collection method: clinical testing. Allele origin: germline. Affected: yes.
Comment: This variant is considered likely benign or benign based on one or more of the following criteria: it is a conservative change, it occurs at a poorly conserved position in the protein, it is predicted to be benign by multiple in silico algorithms, and/or has population frequency not consistent with disease.

NM_001035.3(RYR2):c.10143-11A>T

Gene: RYR2 (ryanodine receptor 2; plus strand). Cytogenetic location: 1q43.
Variant type: single nucleotide variant.
Coding change: c.10143-11A>T on transcript NM_001035.3 (MANE Select); 11 bases into the intron before coding-DNA position 10143, A replaced by T.
Molecular consequence: intron variant.
Genome position (GRCh38, 1-based): chr1:237,709,469, A>T. VCF-style: chr1-237709469-A-T. GRCh37 (hg19) VCF-style: chr1-237872769-A-T.
Other names: c.10143-11A>T (LRG_402t1).
Identifiers: ClinVar variation 389627 (VCV000389627.4), dbSNP rs1057523491, ClinGen allele CA16603652.